The following is an entry in ClinVar:

ClinVar aggregate classification (germline): Conflicting classifications of pathogenicity. Review status: criteria provided, conflicting classifications (1 of 4 stars). 2 submissions from 2 submitters: Likely pathogenic (1); Uncertain significance (1). Last evaluated 2026-01-12.

Conditions:
CTCF-related neurodevelopmental disorder. Also called: Intellectual disability-feeding difficulties-developmental delay-microcephaly syndrome; INTELLECTUAL DEVELOPMENTAL DISORDER, AUTOSOMAL DOMINANT 21. Identifiers: Orphanet 363611, MedGen C3809686, MONDO:0014213, OMIM 615502.

Submissions (2):

GeneDx
Classification: Likely pathogenic. Last evaluated: 2026-01-12. Review status: criteria provided, single submitter. Criteria: GeneDx Variant Classification Process June 2021. Collection method: clinical testing. Allele origin: germline.
Comment: Not observed at significant frequency in large population cohorts (gnomAD); In silico analysis supports that this missense variant has a deleterious effect on protein structure/function; In silico analysis is inconclusive as to whether the variant alters gene splicing. In the absence of RNA/functional studies, the actual effect of this sequence change is unknown.; Has not been previously published as pathogenic or benign to our knowledge

Juno Genomics, Hangzhou Juno Genomics, Inc
Classification: Uncertain significance for CTCF-related neurodevelopmental disorder. Review status: criteria provided, single submitter. Criteria: ACMG Guidelines, 2015. Collection method: clinical testing. Allele origin: germline. Affected: yes.
Comment: Absent from controls (or at extremely low frequency if recessive) in Genome Aggregation Database, Exome Sequencing Project, 1000 Genomes Project, or Exome Aggregation Consortium.;Multiple lines of computational evidence support a deleterious effect on the gene or gene product (conservation, evolutionary, splicing impact, etc).

NM_006565.4(CTCF):c.782G>T (p.Gly261Val)

Gene: CTCF (CCCTC-binding factor; plus strand). Cytogenetic location: 16q22.1.
Variant type: single nucleotide variant.
Coding change: c.782G>T on transcript NM_006565.4 (MANE Select); coding-DNA position 782, G replaced by T.
Protein change: p.Gly261Val; replaces glycine 261 with valine.
Molecular consequence: missense variant. On other transcripts: intron variant (1).
Genome position (GRCh38, 1-based): chr16:67,611,951, G>T. VCF-style: chr16-67611951-G-T. GRCh37 (hg19) VCF-style: chr16-67645854-G-T.
Other names: c.782G>T, p.Gly261Val (NM_001363916.2); c.-32-4794G>T (NM_001191022.2); short protein forms G261V.
Identifiers: ClinVar variation 3573830 (VCV003573830.3).